The following is an entry in ClinVar:

NM_000261.2(MYOC):c.1435T>C (p.Tyr479His)

Gene: MYOC (myocilin; minus strand). Cytogenetic location: 1q24.3.
Variant type: single nucleotide variant.
Coding change: c.1435T>C on transcript NM_000261.2 (MANE Select); coding-DNA position 1435, T replaced by C.
Protein change: p.Tyr479His; replaces tyrosine 479 with histidine.
Molecular consequence: missense variant.
Genome position (GRCh38, 1-based): chr1:171,636,005, A>G on the plus strand (T>C on the coding strand, the complement: MYOC is on the minus strand). VCF-style: chr1-171636005-A-G. GRCh37 (hg19) VCF-style: chr1-171605145-A-G.
Other names: short protein forms Y479H.
Identifiers: ClinVar variation 1173106 (VCV001173106.6), dbSNP rs2102944475, ClinGen allele CA343723184.

ClinVar aggregate classification (germline): Likely pathogenic. Review status: reviewed by expert panel (3 of 4 stars). 2 submissions from 2 submitters: Likely pathogenic (1). 1 of the submissions does not count toward it. Last evaluated 2026-02-18.

Conditions:
Open-angle glaucoma. Identifiers: MedGen C0017612, MONDO:0005338, HP:0012108.
Glaucoma 1, open angle, A (GLC1A). Also called: Glaucoma, Dominant (Juvenile Onset). Identifiers: Orphanet 98977, MedGen C1842028, MONDO:0007664, OMIM 137750.

Submissions (2):

ClinGen Glaucoma Variant Curation Expert Panel
Classification: Likely pathogenic for Open-angle glaucoma. Last evaluated: 2026-02-18. Review status: reviewed by expert panel. Criteria: ClinGen Glaucoma ACMG Specifications V2.0.0 Approved. Collection method: curation. Allele origin: germline. Inheritance: Autosomal dominant inheritance.
Comment: The c.1435T>C variant in MYOC is a missense variant predicted to cause substitution of Tyrosine by Histidine at amino acid 479 (p.Tyr479His). This variant was not found in any genetic ancestry group of gnomAD (v4.1.0), meeting the ≤ 0.0001 threshold set for PM2_Supporting in a population of at least 10,000 alleles. The REVEL score = 0.981, which met the ≥ 0.932 threshold for PP3_Strong, predicting a damaging effect on MYOC function. The assays in this study (PMID: 17615537), measuring solubility and secretion of the Tyr479His protein, did not meet the OddsPath threshold for PS3_Supporting (> 2.1). Only 1 segregation had been reported for open angle glaucoma (ClinVar: SCV001738398.1), not meeting the ≥ 3 segregations required for PP1. 3 probands with juvenile or primary open angle glaucoma have been reported carrying this variant (PMIDs: 23922489, 17615537 and ClinVar: SCV001738398.1), which met PS4_Supporting (≥ 2 probands). In summary, this variant met the criteria to receive a score of 6 and to be classified as likely pathogenic (likely pathogenic classification range 6 to 9, adapted from PMID: 32720330) for juvenile open angle glaucoma based on the ACMG/AMP criteria met, as specified by the ClinGen Glaucoma VCEP (v2.0.0, 5 Dec 2024): PP3_Strong, PS4_Supporting, PM2_Supporting

Diagnostics Services (NGS), CSIR - Centre For Cellular And Molecular Biology
Classification: Likely pathogenic for Glaucoma 1, open angle, A. Last evaluated: 2021-05-27. Review status: criteria provided, single submitter. Criteria: ACMG Guidelines, 2015. Collection method: clinical testing. Allele origin: unknown. Inheritance: Autosomal dominant inheritance. Affected: yes. Observed: 2 variant alleles, 2 heterozygotes. Not counted in ClinVar's aggregate classification.
Comment: The c.1435T>C variant is not present in publicly available population databases like 1000 Genomes, Exome Variant Server (EVS), Exome Aggregation Consortium (ExAC), Genome Aggregation Database (gnomAD) and dbSNP. The variant is also not present in Indian Exome Database [Kausthubham et al. Hum Mutat, 2021] and in our in-house exome database. The variant was earlier identified in POAG patients [Lopez-Martinez et al., Mol Vis, 2007] and reported to Human Genome Mutation Database (HGMD ID: CM073214). In-silico pathogenicity prediction programs like SIFT, Polyphen3, MutationTaster2, CADD, Varsome, InterVar etc. predicted this variant to be likely disease causing. Present evidences are not enough to classify the variant as pathogenic. Considering the phenotype observed in the patient the variant has been classified as likely pathogenic.